The following is an entry in ClinVar:

NM_006389.5(HYOU1):c.2510+19C>T

Gene: HYOU1 (hypoxia up-regulated 1; minus strand). Cytogenetic location: 11q23.3.
Variant type: single nucleotide variant.
Coding change: c.2510+19C>T on transcript NM_006389.5 (MANE Select); 19 bases into the intron after coding-DNA position 2510, C replaced by T.
Molecular consequence: intron variant.
Genome position (GRCh38, 1-based): chr11:119,047,928, G>A on the plus strand (C>T on the coding strand, the complement: HYOU1 is on the minus strand). VCF-style: chr11-119047928-G-A. GRCh37 (hg19) VCF-style: chr11-118918640-G-A.
Other names: c.2510+19C>T (NM_001130991.3, NM_001411041.1).
Identifiers: ClinVar variation 2861466 (VCV002861466.3), dbSNP rs1195939452, ClinGen allele CA672412112.

ClinVar aggregate classification (germline): Uncertain significance (1 of 4 stars; one submission).

Allele frequency attached by ClinVar (database versions not stated): gnomAD 0.00001.
gnomAD v4.1: 5 of 1,614,064 alleles (0.00031%); highest among the groups gnomAD compares: East Asian, 0.0067%; no homozygotes.

Submission:

Labcorp Genetics (formerly Invitae), Labcorp
Classification: Uncertain significance. Last evaluated: 2023-04-27. Review status: criteria provided, single submitter. Criteria: Invitae Variant Classification Sherloc (09022015). Collection method: clinical testing. Allele origin: germline.
Comment: In summary, the available evidence is currently insufficient to determine the role of this variant in disease. Therefore, it has been classified as a Variant of Uncertain Significance. This variant has not been reported in the literature in individuals affected with HYOU1-related conditions. This variant is present in population databases (no rsID available, gnomAD 0.0009%). This sequence change falls in intron 21 of the HYOU1 gene. It does not directly change the encoded amino acid sequence of the HYOU1 protein.